The following is an entry in ClinVar:

NM_144499.3(GNAT1):c.579G>T (p.Arg193=)

Gene: GNAT1 (G protein subunit alpha transducin 1; plus strand). Cytogenetic location: 3p21.31.
Variant type: single nucleotide variant.
Coding change: c.579G>T on transcript NM_144499.3 (MANE Select); coding-DNA position 579, G replaced by T.
Protein change: p.Arg193=; no amino-acid change (arginine 193 retained).
Molecular consequence: synonymous variant.
Genome position (GRCh38, 1-based): chr3:50,194,092, G>T. VCF-style: chr3-50194092-G-T. GRCh37 (hg19) VCF-style: chr3-50231525-G-T.
Other names: c.579G>T, p.Arg193= (NM_000172.4).
Identifiers: ClinVar variation 1059345 (VCV001059345.5), dbSNP rs1668725131, ClinGen allele CA433860844.

ClinVar aggregate classification (germline): Uncertain significance (1 of 4 stars; one submission).

Submission:

Labcorp Genetics (formerly Invitae), Labcorp
Classification: Uncertain significance. Last evaluated: 2022-08-23. Review status: criteria provided, single submitter. Criteria: Invitae Variant Classification Sherloc (09022015). Collection method: clinical testing. Allele origin: germline.
Comment: In summary, the available evidence is currently insufficient to determine the role of this variant in disease. Therefore, it has been classified as a Variant of Uncertain Significance. Algorithms developed to predict the effect of sequence changes on RNA splicing suggest that this variant may disrupt the consensus splice site. ClinVar contains an entry for this variant (Variation ID: 1059345). This variant has not been reported in the literature in individuals affected with GNAT1-related conditions. This variant is not present in population databases (gnomAD no frequency). This sequence change affects codon 193 of the GNAT1 mRNA. It is a 'silent' change, meaning that it does not change the encoded amino acid sequence of the GNAT1 protein.